The following is an entry in ClinVar:

NM_000744.7(CHRNA4):c.514C>T (p.Gln172Ter)

Gene: CHRNA4 (cholinergic receptor nicotinic alpha 4 subunit; minus strand). Cytogenetic location: 20q13.33.
Variant type: single nucleotide variant.
Coding change: c.514C>T on transcript NM_000744.7 (MANE Select); coding-DNA position 514, C replaced by T.
Protein change: p.Gln172Ter; replaces glutamine 172 with a stop codon.
Molecular consequence: nonsense. On other transcripts: 5 prime UTR variant (1), non-coding transcript variant (1).
Genome position (GRCh38, 1-based): chr20:63,350,897, G>A on the plus strand (C>T on the coding strand, the complement: CHRNA4 is on the minus strand). VCF-style: chr20-63350897-G-A. GRCh37 (hg19) VCF-style: chr20-61982249-G-A.
Other names: p.Gln172*; c.-15C>T (NM_001256573.2); short protein forms Q172*.
Identifiers: ClinVar variation 839252 (VCV000839252.8), dbSNP rs112748821, ClinGen allele CA9957790.

ClinVar aggregate classification (germline): Uncertain significance. Review status: criteria provided, multiple submitters, no conflicts (2 of 4 stars). 3 submissions from 3 submitters: Uncertain significance (3). Last evaluated 2025-01-30.

Conditions:
Familial sleep-related hypermotor epilepsy. Also called: Autosomal Dominant Sleep-Related Hypermotor (Hyperkinetic) Epilepsy. Identifiers: Orphanet 98784, MedGen C3696898, MONDO:0000030.

Allele frequency attached by ClinVar (database versions not stated): gnomAD exomes 0.00003 and 0.00001; ESP Exome Variant Server 0.00015; gnomAD 0.00004 and 0.00003; ExAC 0.00002; TOPMed 0.00003.

Submissions (3):

Labcorp Genetics (formerly Invitae), Labcorp
Classification: Uncertain significance. Last evaluated: 2025-01-30. Review status: criteria provided, single submitter. Criteria: Invitae Variant Classification Sherloc (09022015). Collection method: clinical testing. Allele origin: germline.
Comment: This sequence change creates a premature translational stop signal (p.Gln172*) in the CHRNA4 gene. It is expected to result in an absent or disrupted protein product. However, the current clinical and genetic evidence is not sufficient to establish whether loss-of-function variants in CHRNA4 cause disease. This variant is present in population databases (rs112748821, gnomAD 0.003%). This variant has not been reported in the literature in individuals affected with CHRNA4-related conditions. This premature translational stop signal has been observed in at least one individual who was not affected with CHRNA4-related conditions (internal data). ClinVar contains an entry for this variant (Variation ID: 839252). In summary, the available evidence is currently insufficient to determine the role of this variant in disease. Therefore, it has been classified as a Variant of Uncertain Significance.

Mayo Clinic Laboratories, Mayo Clinic
Classification: Uncertain significance. Last evaluated: 2022-12-07. Review status: criteria provided, single submitter. Criteria: ACMG Guidelines, 2015. Collection method: clinical testing. Allele origin: germline. Observed: 1 variant allele.

Athena Diagnostics
Classification: Uncertain significance. Last evaluated: 2022-06-07. Review status: criteria provided, single submitter. Criteria: Athena Diagnostics Criteria. Collection method: clinical testing. Allele origin: unknown.

Literature cited by the submitters: PubMed 23527921 (cited by Mayo Clinic Laboratories, Mayo Clinic).